The following is an entry in ClinVar:

NM_001267550.2(TTN):c.12679A>T (p.Thr4227Ser)

Gene: TTN (titin; minus strand). Cytogenetic location: 2q31.2.
Variant type: single nucleotide variant.
Coding change: c.12679A>T on transcript NM_001267550.2 (MANE Select); coding-DNA position 12679, A replaced by T.
Protein change: p.Thr4227Ser; replaces threonine 4227 with serine.
Molecular consequence: missense variant. On other transcripts: intron variant (1).
Genome position (GRCh38, 1-based): chr2:178,740,554, T>A on the plus strand (A>T on the coding strand, the complement: TTN is on the minus strand). VCF-style: chr2-178740554-T-A. GRCh37 (hg19) VCF-style: chr2-179605281-T-A.
Other names: c.11728A>T, p.Thr3910Ser (NM_001256850.1); c.11590A>T, p.Thr3864Ser (NM_003319.4); c.11965A>T, p.Thr3989Ser (NM_133432.3); c.12166A>T, p.Thr4056Ser (NM_133437.4); c.10361-2194A>T (NM_133378.4); short protein forms T4227S, T3910S, T3989S, T4056S, T3864S.
Identifiers: ClinVar variation 466802 (VCV000466802.3), dbSNP rs1553939161, ClinGen allele CA349610964.

ClinVar aggregate classification (germline): Conflicting classifications of pathogenicity. Review status: criteria provided, conflicting classifications (1 of 4 stars). 2 submissions from 2 submitters: Uncertain significance (1); Likely benign (1). Last evaluated 2017-06-13.

Conditions:
Autosomal recessive limb-girdle muscular dystrophy type 2J (LGMDR10). Also called: Limb-girdle muscular dystrophy, type 2J; MUSCULAR DYSTROPHY, LIMB-GIRDLE, AUTOSOMAL RECESSIVE 10. Identifiers: Orphanet 140922, MedGen C1837342, MONDO:0012127, OMIM 608807.
Dilated cardiomyopathy 1G (CMD1G). Identifiers: Orphanet 154, MedGen C1858763, MONDO:0011400, OMIM 604145.

Submissions (2):

GeneDx
Classification: Likely benign. Last evaluated: 2017-06-13. Review status: criteria provided, single submitter. Criteria: GeneDx Variant Classification (06012015). Collection method: clinical testing. Allele origin: germline. Affected: yes.
Comment: This variant is considered likely benign or benign based on one or more of the following criteria: it is a conservative change, it occurs at a poorly conserved position in the protein, it is predicted to be benign by multiple in silico algorithms, and/or has population frequency not consistent with disease.

Labcorp Genetics (formerly Invitae), Labcorp
Classification: Uncertain significance for Dilated cardiomyopathy 1G; Autosomal recessive limb-girdle muscular dystrophy type 2J. Last evaluated: 2017-05-10. Review status: criteria provided, single submitter. Criteria: Invitae Variant Classification Sherloc (09022015). Collection method: clinical testing. Allele origin: germline.